The following is an entry in ClinVar:

ClinVar aggregate classification (germline): Benign/Likely benign. Review status: criteria provided, multiple submitters, no conflicts (2 of 4 stars). 2 submissions from 2 submitters: Benign (1); Likely benign (1). Last evaluated 2022-09-01.

Allele frequency attached by ClinVar (database versions not stated): 1000 Genomes Project 30x 0.00078; 1000 Genomes Project 0.00080; ExAC 0.00149; gnomAD 0.00172 and 0.00176; gnomAD exomes 0.00179 and 0.00311; TOPMed 0.00191; ESP Exome Variant Server 0.00277.
gnomAD v4.1: 4,797 of 1,613,814 alleles (0.3%); highest among the groups gnomAD compares: Non-Finnish European, 0.37%; 6 homozygotes.

Submissions (2):

CeGaT Center for Human Genetics Tuebingen
Classification: Benign. Last evaluated: 2022-09-01. Review status: criteria provided, single submitter. Criteria: CeGaT Center For Human Genetics Tuebingen Variant Classification Criteria Version 2. Collection method: clinical testing. Allele origin: germline. Affected: yes. Observed: 1 variant allele.
Comment: PTK2: BS1, BS2

Labcorp Genetics (formerly Invitae), Labcorp
Classification: Likely benign. Last evaluated: 2018-08-05. Review status: criteria provided, single submitter. Criteria: Invitae Variant Classification Sherloc (09022015). Collection method: clinical testing. Allele origin: germline.

NM_001352702.2(PTK2):c.2610G>A (p.Glu870=)

Gene: PTK2 (protein tyrosine kinase 2; minus strand). Cytogenetic location: 8q24.3.
Variant type: single nucleotide variant.
Coding change: c.2610G>A on transcript NM_001352702.2 (MANE Select); coding-DNA position 2610, G replaced by A.
Protein change: p.Glu870=; no amino-acid change (glutamic acid 870 retained).
Molecular consequence: synonymous variant. On other transcripts: non-coding transcript variant (4).
Genome position (GRCh38, 1-based): chr8:140,700,903, C>T on the plus strand (G>A on the coding strand, the complement: PTK2 is on the minus strand). VCF-style: chr8-140700903-C-T. GRCh37 (hg19) VCF-style: chr8-141711002-C-T.
Other names: c.2487G>A, p.Glu829= (NM_001199649.2, NM_001352694.2, NM_001352718.2 and 4 more transcripts); c.2187G>A, p.Glu729= (NM_001316342.2, NM_001352696.2, NM_001352738.2 and 1 more transcripts); c.2589G>A, p.Glu863= (NM_001352695.2, NM_001352704.2); c.2742G>A, p.Glu914= (NM_001352697.2); c.2649G>A, p.Glu883= (NM_001352698.2); c.2610G>A, p.Glu870= (NM_001352699.2, NM_001352700.2, NM_001352701.2 and 2 more transcripts); c.2565G>A, p.Glu855= (NM_001352705.2); c.2526G>A, p.Glu842= (NM_001352706.2, NM_001352707.2, NM_001352708.2 and 7 more transcripts); and 20 more.
Identifiers: ClinVar variation 787622 (VCV000787622.27), dbSNP rs140437945, ClinGen allele CA4895077.